The following is an entry in ClinVar:

NM_138694.4(PKHD1):c.7264T>G (p.Cys2422Gly)

Gene: PKHD1 (PKHD1 ciliary IPT domain containing fibrocystin/polyductin; minus strand). Cytogenetic location: 6p12.2.
Variant type: single nucleotide variant.
Coding change: c.7264T>G on transcript NM_138694.4 (MANE Select); coding-DNA position 7264, T replaced by G.
Protein change: p.Cys2422Gly; replaces cysteine 2422 with glycine.
Molecular consequence: missense variant.
Genome position (GRCh38, 1-based): chr6:51,883,179, A>C on the plus strand (T>G on the coding strand, the complement: PKHD1 is on the minus strand). VCF-style: chr6-51883179-A-C. GRCh37 (hg19) VCF-style: chr6-51747977-A-C.
Other names: c.7264T>G, p.Cys2422Gly (NM_170724.3); short protein forms C2422G.
Identifiers: ClinVar variation 406887 (VCV000406887.81), dbSNP rs201881567, ClinGen allele CA3851986.
Genomic context (GRCh38, chr6:51,883,179, plus strand): 5'-AGCTGTCAGTAACTGAAGTATTTGCATCACTTTCCAAGACGTCAATTCCAAAATCTCTGC[A>C]TGAATAAACTTTGAAGTTTTTCAGGCGAAGATTGCTACTTCTAAAAATCTATAAAATACA-3'
Protein context (NP_619639.3, residues 2412-2432): LRLKNFKVYS[Cys2422Gly]RDFGIDVLES

ClinVar aggregate classification (germline): Conflicting classifications of pathogenicity. Review status: criteria provided, conflicting classifications (1 of 4 stars). 17 submissions from 17 submitters: Pathogenic (3); Likely pathogenic (9); Uncertain significance (3). 2 of the submissions do not count toward it. Last evaluated 2026-03-03.

Conditions:
PKHD1-related disorder. Also called: PKHD1-related condition.
Polycystic kidney disease 4 (PKD4). Also called: Autosomal Recessive Polycystic Kidney Disease – PKHD1; PKD3; POLYCYSTIC KIDNEY AND HEPATIC DISEASE 1; POLYCYSTIC KIDNEY DISEASE, INFANTILE, TYPE I; POLYCYSTIC KIDNEY DISEASE 4 WITH OR WITHOUT POLYCYSTIC LIVER DISEASE. Identifiers: MedGen C4540575, MONDO:0033004, OMIM 263200.
Autosomal dominant polycystic liver disease. Also called: Congenital cystic disease of liver; Polycystic liver disease. Identifiers: Orphanet 2924, MedGen C0158683, MONDO:0000447, HP:0006557.
Autosomal recessive polycystic kidney disease (ARPKD). Also called: AR polycystic kidney disease. Identifiers: Orphanet 731, Orphanet 8378, MedGen C0085548, MeSH D017044, MONDO:0009889.

Allele frequency attached by ClinVar (database versions not stated): 1000 Genomes Project 30x 0.00047; 1000 Genomes Project 0.00060; TOPMed 0.00074.
gnomAD v4.1: 562 of 1,610,856 alleles (0.035%); highest among the groups gnomAD compares: Non-Finnish European, 0.028%; 2 homozygotes.

Submissions (17):

Women's Health and Genetics/Laboratory Corporation of America, LabCorp
Classification: Likely pathogenic for Autosomal recessive polycystic kidney disease. Last evaluated: 2026-03-03. Review status: criteria provided, single submitter. Criteria: LabCorp Variant Classification Summary - May 2015. Collection method: clinical testing. Allele origin: germline.
Comment: Variant summary: PKHD1 c.7264T>G (p.Cys2422Gly) results in a non-conservative amino acid change located in the Parallel beta-helix repeat (IPR006626) of the encoded protein sequence. Four of five in-silico tools predict a damaging effect of the variant on protein function. The variant allele was found at a frequency of 0.0005 in 251278 control chromosomes in the gnomAD database, including 1 homozygotes. This frequency is not significantly higher than estimated for a pathogenic variant in PKHD1 causing Polycystic Kidney And Hepatic Disease (0.0005 vs 0.0071), allowing no conclusion about variant significance. c.7264T>G has been reported in the literature in multiple compound heterozygous individuals affected with Polycystic Kidney And Hepatic Disease and was found to segregate with disease in affected families (e.g. Furu_2003, Bergmann_2005, Braun_2016, Burgmaier_2021). These data indicate that the variant is likely to be associated with disease. To our knowledge, no experimental evidence demonstrating an impact on protein function has been reported. The following publications have been ascertained in the context of this evaluation (PMID: 15698423, 26489029, 33940108, 12874454). ClinVar contains an entry for this variant (Variation ID: 406887). Based on the evidence outlined above, the variant was classified as likely pathogenic.

Labcorp Genetics (formerly Invitae), Labcorp
Classification: Likely pathogenic for Autosomal recessive polycystic kidney disease. Last evaluated: 2026-01-18. Review status: criteria provided, single submitter. Criteria: Invitae Variant Classification Sherloc (09022015). Collection method: clinical testing. Allele origin: germline.
Comment: This sequence change replaces cysteine, which is neutral and slightly polar, with glycine, which is neutral and non-polar, at codon 2422 of the PKHD1 protein (p.Cys2422Gly). This variant is present in population databases (rs201881567, gnomAD 0.3%), including at least one homozygous and/or hemizygous individual. This missense change has been observed in individual(s) with PKHD1-related conditions, with some reports suggesting possibly incomplete penetrance (PMID: 12874454, 15698423, 20413436, 26489029, 33940108, 34405919). It has also been observed to segregate with disease in related individuals. ClinVar contains an entry for this variant (Variation ID: 406887). Invitae Evidence Modeling of protein sequence and biophysical properties (such as structural, functional, and spatial information, amino acid conservation, physicochemical variation, residue mobility, and thermodynamic stability) has been performed for this missense variant. However, the output from this modeling did not meet the statistical confidence thresholds required to predict the impact of this variant on PKHD1 protein function. In summary, the currently available evidence indicates that the variant is pathogenic, but additional data are needed to prove that conclusively. Therefore, this variant has been classified as Likely Pathogenic.

Natera, Inc.
Classification: Likely pathogenic for Autosomal recessive polycystic kidney disease. Last evaluated: 2025-09-29. Review status: criteria provided, single submitter. Criteria: Natera Variant Classification Schema (03/2026). Collection method: clinical testing. Allele origin: germline.
Comment: The c.7264T>G variant in PKHD1 is a missense variant predicted to cause substitution of cysteine to glycine at amino acid 2422. This variant is rare in the general population with a frequency below the threshold expected for the associated phenotype(s). This variant has been observed in at least one unaffected individual, with a zygosity that is consistent with the inheritance pattern for the associated condition (in gnomAD and/or literature). This variant has been observed in one or more individuals affected with the associated recessive disease, as either homozygous or compound heterozygous with a second variant (PMID: 15698423, 26673778, 32457805, 33940108). Additionally, this variant has been observed to segregate in affected family members (PMID: 15698423, 26673778, 33940108). Computational prediction algorithms indicate this variant is likely to affect gene or protein function. Given the available evidence, this variant is classified as Likely Pathogenic.

PreventionGenetics, part of Exact Sciences
Classification: Likely pathogenic for PKHD1-related condition. Last evaluated: 2025-07-24. Review status: criteria provided, single submitter. Criteria: ACMG Guidelines, 2015. Collection method: clinical testing. Allele origin: germline.
Comment: The PKHD1 c.7264T>G variant is predicted to result in the amino acid substitution p.Cys2422Gly. In the compound heterozygous state with different pathogenic PKHD1 variants, this variant has been reported in unrelated individuals with autosomal recessive polycystic kidney disease (ARPKD) (Furu et al. 2003. PubMed ID: 12874454; Bergmann et al. 2005. PubMed ID: 15698423; Supplementary Table 2, Braun et al. 2016. PubMed ID: 26489029). Of note, a different change affecting the same codon (c.7264T>C, p.Cys2422Arg) has also been reported in an individual with ARPKD (Gunay-Aygun et al. 2010. PubMed ID: 19914852). In summary, the c.7264T>G (p.Cys2422Gly) variant is interpreted as likely pathogenic. Of note, this variant has been suggested to be incompletely penetrant (Mikó et al. 2021. PubMed ID: 34405919).

Laboratory of Genetics, Children's Clinical University Hospital Latvia
Classification: Pathogenic. Last evaluated: 2025-02-16. Review status: criteria provided, single submitter. Criteria: ACMG Guidelines, 2015. Collection method: clinical testing. Allele origin: germline. Affected: yes.

CeGaT Center for Human Genetics Tuebingen
Classification: Pathogenic. Last evaluated: 2025-02-01. Review status: criteria provided, single submitter. Criteria: CeGaT Center For Human Genetics Tuebingen Variant Classification Criteria Version 2. Collection method: clinical testing. Allele origin: germline. Affected: yes. Observed: 2 variant alleles.
Comment: PKHD1: PM3:Very Strong, PM2

First Genomix Gene Laboratory, Genetic Diagnostics Department
Classification: Likely pathogenic for Polycystic kidney disease 4. Last evaluated: 2025-01-06. Review status: criteria provided, single submitter. Criteria: ACMG Guidelines, 2015. Collection method: clinical testing. Allele origin: germline. Inheritance: Autosomal recessive inheritance. Affected: no. Observed: 1 variant allele.

GeneDx
Classification: Pathogenic. Last evaluated: 2024-12-26. Review status: criteria provided, single submitter. Criteria: GeneDx Variant Classification Process June 2021. Collection method: clinical testing. Allele origin: germline. Affected: yes.
Comment: Identified with a pathogenic variant on the opposite allele in multiple unrelated patients with polycystic kidney disease in published literature (PMID: 33940108, 15698423); Identified with a second variant (phase unknown) in unrelated patients in published literature (PMID: 12874454, 26489029); In silico analysis supports that this missense variant has a deleterious effect on protein structure/function; This variant is associated with the following publications: (PMID: 14741187, 20413436, 34405919, 26489029, 27752906, 15698423, 32457805, 12874454, 33940108)

Blueprint Genetics
Classification: Likely pathogenic for PKHD1-related disorders. Last evaluated: 2024-10-03. Review status: criteria provided, single submitter. Criteria: ACMG Guidelines, 2015. Collection method: clinical testing. Allele origin: germline. Affected: yes. Observed: 5 variant alleles.

Fulgent Genetics
Classification: Uncertain significance for Polycystic kidney disease 4. Last evaluated: 2024-05-07. Review status: criteria provided, single submitter. Criteria: ACMG Guidelines, 2015. Collection method: clinical testing. Allele origin: germline.

Department of Pathology and Laboratory Medicine, Sinai Health System
Classification: Uncertain significance for Polycystic kidney disease 4. Last evaluated: 2024-03-25. Review status: criteria provided, single submitter. Criteria: ACMG Guidelines, 2015. Collection method: clinical testing. Allele origin: germline. Affected: yes.

Laboratory of Medical Genetics, National & Kapodistrian University of Athens
Classification: Likely pathogenic for Polycystic kidney disease 4. Last evaluated: 2024-02-01. Review status: criteria provided, single submitter. Criteria: ACMG Guidelines, 2015. Collection method: curation. Allele origin: germline. Affected: no.

Human Genetics Bochum, Ruhr University Bochum
Classification: Likely pathogenic for Polycystic kidney disease 4. Last evaluated: 2023-01-31. Review status: criteria provided, single submitter. Criteria: ACMG Guidelines, 2015. Collection method: clinical testing. Allele origin: germline. Affected: yes.
Comment: ACMG criteria used to clasify this variant: PM3, PM5, PP3_MOD

Revvity Omics, Revvity
Classification: Likely pathogenic for Polycystic kidney disease 4. Last evaluated: 2022-09-15. Review status: criteria provided, single submitter. Criteria: ACMG Guidelines, 2015. Collection method: clinical testing. Allele origin: germline.

Eurofins Ntd Llc (ga)
Classification: Uncertain significance. Last evaluated: 2017-10-12. Review status: criteria provided, single submitter. Criteria: EGL Classification Definitions 2015. Collection method: clinical testing. Allele origin: germline. Observed: 1 variant allele, 1 heterozygote.

Laboratory of Gastroenterology and Hepatology, Radboud University Medical Center
Classification: Uncertain significance for Autosomal dominant polycystic liver disease. Last evaluated: 2021-09-01. Review status: no assertion criteria provided. Collection method: research. Allele origin: germline. Affected: yes. Not counted in ClinVar's aggregate classification.

Counsyl
Classification: Uncertain significance for Polycystic kidney disease 4. Last evaluated: 2018-04-27. Review status: no assertion criteria provided. Collection method: clinical testing. Allele origin: unknown. Not counted in ClinVar's aggregate classification.

Literature cited by the submitters: PubMed 15698423 (cited by 6 submitters); PubMed 12874454 (cited by 5 submitters); PubMed 26489029 (cited by 4 submitters); PubMed 33940108 (cited by 4 submitters); PubMed 20413436 (cited by 3 submitters); PubMed 34405919 (cited by Labcorp Genetics (formerly Invitae), Labcorp); PubMed 26673778 (cited by Natera, Inc.); PubMed 32457805 (cited by Natera, Inc.); PubMed 27752906 (cited by Department of Pathology and Laboratory Medicine, Sinai Health System and Counsyl); PubMed 14741187 (cited by Eurofins Ntd Llc (ga)).